The following is an entry in ClinVar:

NM_145868.2(ANXA11):c.118_119delinsAT (p.Asp40Ile)

Gene: ANXA11 (annexin A11; minus strand). Cytogenetic location: 10q22.3.
Variant type: Indel.
Coding change: c.118_119delinsAT on transcript NM_145868.2 (MANE Select); coding-DNA positions 118 to 119, GA replaced by AT.
Protein change: p.Asp40Ile; replaces aspartic acid 40 with isoleucine.
Molecular consequence: missense variant.
Genome position (GRCh38, 1-based): chr10:80,170,852-80,170,853, TC replaced by AT on the plus strand (GA replaced by AT on the coding strand, the reverse complement: ANXA11 is on the minus strand). VCF-style: chr10-80170852-TC-AT. GRCh37 (hg19) VCF-style: chr10-81930608-TC-AT.
Other names: c.118_119delGAinsAT (NM_145868.2); c.118_119delinsAT, p.Asp40Ile (NM_001157.3, NM_001278407.2, NM_001278408.2 and 1 more transcripts); c.19_20delinsAT, p.Asp7Ile (NM_001278409.2); short protein forms D40I, D7I.
Identifiers: ClinVar variation 2444454 (VCV002444454.5), dbSNP rs2492172951, ClinGen allele CA2580082038.

ClinVar aggregate classification (germline): Pathogenic (1 of 4 stars; one submission).

Conditions:
Oculopharyngeal muscular dystrophy 1 (OPMD1). Identifiers: MedGen CN376802, MONDO:0958176, OMIM 164300.

Submission:

Plataforma de Genómica Funcional - SJD, Institut De Recerca Sant Joan De Déu
Classification: Pathogenic for Oculopharyngeal muscular dystrophy 1. Last evaluated: 2023-02-24. Review status: criteria provided, single submitter. Criteria: ACMG Guidelines, 2015. Collection method: clinical testing, in vitro. Allele origin: de novo, not applicable. Affected: yes. Functional consequence: functionally_abnormal.
Comment: The c.118_119delGAinsAT variant (NM_145868.2) in ANXA11 is a missense variant predicted to cause an amino acid change of Asp by Ile at position 40 in the protein sequence (p.(Asp40Ile)). This variant is absent from population databases (gnomAD v2.1) (PM2_Supporting). Functional studies performed in the patient’s fibroblasts and muscle tissue were conducted at the Neurogenetics and Molecular Medicine Laboratory and showed defects in stress granules dynamics and clearance, and muscle histopathology showed a myopathic pattern with ANXA11 protein aggregates (PS3; PMID: 36651622). This variant resides within a region of ANXA11 that is defined as a mutational hotspot (PM1). Other variants that disrupt this residue have been determined to be pathogenic (ClinVar Variation IDs: 802593, 488353; PM5). For dominant rare disorders, appeared in affected cases while extremely rare in population (PS4). In summary, this variant meets the criteria to be classified as Pathogenic based on the ACMG/AMP criteria applied.

Literature cited by the submitters: PubMed 36651622.